The following is an entry in ClinVar:

ClinVar aggregate classification (germline): Benign. Review status: criteria provided, multiple submitters, no conflicts (2 of 4 stars). 3 submissions from 3 submitters: Benign (2). 1 of the submissions does not count toward it. Last evaluated 2019-12-31.

Conditions:
NLRP2-related disorder. Also called: NLRP2-related condition.

Allele frequency attached by ClinVar (database versions not stated): gnomAD exomes 0.00118 and 0.00044; gnomAD 0.00433 and 0.00408; 1000 Genomes Project 30x 0.00453; TOPMed 0.00458; 1000 Genomes Project 0.00499; ESP Exome Variant Server 0.00561; ExAC 0.00133.
gnomAD v4.1: 1,283 of 1,613,844 alleles (0.079%); highest among the groups gnomAD compares: African/African-American, 1.5%; 10 homozygotes.

Submissions (3):

Labcorp Genetics (formerly Invitae), Labcorp
Classification: Benign. Last evaluated: 2019-12-31. Review status: criteria provided, single submitter. Criteria: Invitae Variant Classification Sherloc (09022015). Collection method: clinical testing. Allele origin: germline.

Breakthrough Genomics
Classification: Benign. Review status: criteria provided, single submitter. Criteria: ACMG Guidelines, 2015. Collection method: not provided. Allele origin: germline. Inheritance: Unknown mechanism. Affected: yes.

PreventionGenetics, part of Exact Sciences
Classification: Benign for NLRP2-related condition. Last evaluated: 2019-11-20. Review status: no assertion criteria provided. Collection method: clinical testing. Allele origin: germline. Not counted in ClinVar's aggregate classification.
Comment: This variant is classified as benign based on ACMG/AMP sequence variant interpretation guidelines (Richards et al. 2015 PMID: 25741868, with internal and published modifications).

NM_017852.5(NLRP2):c.3100A>G (p.Ile1034Val)

Gene: NLRP2 (NLR family pyrin domain containing 2; plus strand). Cytogenetic location: 19q13.42.
Variant type: single nucleotide variant.
Coding change: c.3100A>G on transcript NM_017852.5 (MANE Select); coding-DNA position 3100, A replaced by G.
Protein change: p.Ile1034Val; replaces isoleucine 1034 with valine.
Molecular consequence: missense variant. On other transcripts: non-coding transcript variant (1).
Genome position (GRCh38, 1-based): chr19:55,000,809, A>G. VCF-style: chr19-55000809-A-G. GRCh37 (hg19) VCF-style: chr19-55512177-A-G.
Other names: c.3100A>G, p.Ile1034Val (NM_001174081.3); c.3034A>G, p.Ile1012Val (NM_001174082.3); c.3031A>G, p.Ile1011Val (NM_001174083.2); c.3091A>G, p.Ile1031Val (NM_001348003.2); c.3100A>G (NM_001174081.2); short protein forms I1031V, I1011V, I1034V, I1012V.
Identifiers: ClinVar variation 784401 (VCV000784401.7), dbSNP rs61735076, ClinGen allele CA310115448.
Genomic context (GRCh38, chr19:55,000,809, plus strand): 5'-TTGTACCCCAGGTTGAAAATCGATGACTTTAATGATGAACTCAATAAGCTGCTGGAAGAA[A>G]TAGAAGAAAAAAACCCACAACTGATTATTGATACTGAGAAACATCATCCCTGGGCAGAAA-3'
Protein context (NP_060322.1, residues 1024-1044): NDELNKLLEE[Ile1034Val]EEKNPQLIID